The following is an entry in ClinVar:

ClinVar aggregate classification (germline): Conflicting classifications of pathogenicity. Review status: criteria provided, conflicting classifications (1 of 4 stars). 3 submissions from 3 submitters: Uncertain significance (1); Benign (1). 1 of the submissions does not count toward it. Last evaluated 2019-12-31.

Conditions:
DGKD-related disorder. Also called: DGKD-related condition.

Allele frequency attached by ClinVar (database versions not stated): gnomAD 0.00598 and 0.00614; ESP Exome Variant Server 0.00669; gnomAD exomes 0.00873 and 0.00553; 1000 Genomes Project 0.00240; 1000 Genomes Project 30x 0.00281; TOPMed 0.00555; ExAC 0.00577.
gnomAD v4.1: 13,578 of 1,614,018 alleles (0.84%); highest among the groups gnomAD compares: Non-Finnish European, 1%; 77 homozygotes.

Submissions (3):

Labcorp Genetics (formerly Invitae), Labcorp
Classification: Benign. Last evaluated: 2019-12-31. Review status: criteria provided, single submitter. Criteria: Invitae Variant Classification Sherloc (09022015). Collection method: clinical testing. Allele origin: germline.

CeGaT Center for Human Genetics Tuebingen
Classification: Uncertain significance. Last evaluated: 2016-09-01. Review status: criteria provided, single submitter. Criteria: CeGaT Center For Human Genetics Tuebingen Variant Classification Criteria Version 2. Collection method: clinical testing. Allele origin: germline. Affected: yes. Observed: 1 variant allele.

PreventionGenetics, part of Exact Sciences
Classification: Likely benign for DGKD-related condition. Last evaluated: 2019-04-08. Review status: no assertion criteria provided. Collection method: clinical testing. Allele origin: germline. Not counted in ClinVar's aggregate classification.
Comment: This variant is classified as likely benign based on ACMG/AMP sequence variant interpretation guidelines (Richards et al. 2015 PMID: 25741868, with internal and published modifications).

NM_152879.3(DGKD):c.2925G>A (p.Glu975=)

Gene: DGKD (diacylglycerol kinase delta; plus strand). Cytogenetic location: 2q37.1.
Variant type: single nucleotide variant.
Coding change: c.2925G>A on transcript NM_152879.3 (MANE Select); coding-DNA position 2925, G replaced by A.
Protein change: p.Glu975=; no amino-acid change (glutamic acid 975 retained).
Molecular consequence: synonymous variant.
Genome position (GRCh38, 1-based): chr2:233,460,289, G>A. VCF-style: chr2-233460289-G-A. GRCh37 (hg19) VCF-style: chr2-234368935-G-A.
Other names: c.2793G>A, p.Glu931= (NM_003648.3).
Identifiers: ClinVar variation 775065 (VCV000775065.47), dbSNP rs147134923, ClinGen allele CA2175826.
Genomic context (GRCh38, chr2:233,460,289, plus strand): 5'-GCAGAAGTGCGAGCTGCCCCGCCCTCCATCCTGTTCCCTGCACCCGGAGATGCTGTCCGA[G>A]GAGGAGGCCACCCAGATGGACCAGTTTGGGCAGGCAGCAGGGGTCCTCATTCACAGGTGG-3'
Protein context (NP_690618.2, residues 965-985): SCSLHPEMLS[Glu975=]EEATQMDQFG